The following is an entry in ClinVar:

NM_007186.6(CEP250):c.2912C>T (p.Thr971Ile)

Gene: CEP250 (centrosomal protein 250; plus strand). Cytogenetic location: 20q11.22.
Variant type: single nucleotide variant.
Coding change: c.2912C>T on transcript NM_007186.6 (MANE Select); coding-DNA position 2912, C replaced by T.
Protein change: p.Thr971Ile; replaces threonine 971 with isoleucine.
Molecular consequence: missense variant.
Genome position (GRCh38, 1-based): chr20:35,493,451, C>T. VCF-style: chr20-35493451-C-T. GRCh37 (hg19) VCF-style: chr20-34081278-C-T.
Other names: c.1016C>T, p.Thr339Ile (NM_001318219.1); short protein forms T339I, T971I.
Identifiers: ClinVar variation 1474676 (VCV001474676.8), dbSNP rs569960675, ClinGen allele CA9833329.

ClinVar aggregate classification (germline): Uncertain significance (1 of 4 stars; one submission).

Allele frequency attached by ClinVar (database versions not stated): ExAC 0.00001; gnomAD 0.00001; gnomAD exomes 0.00001 and below 0.00001; TOPMed 0.00001; 1000 Genomes Project 0.00020; 1000 Genomes Project 30x 0.00031.
gnomAD v4.1: 10 of 1,607,602 alleles (0.00062%); highest among the groups gnomAD compares: African/African-American, 0.004%; no homozygotes.

Submission:

Labcorp Genetics (formerly Invitae), Labcorp
Classification: Uncertain significance. Last evaluated: 2022-10-03. Review status: criteria provided, single submitter. Criteria: Invitae Variant Classification Sherloc (09022015). Collection method: clinical testing. Allele origin: germline.
Comment: In summary, the available evidence is currently insufficient to determine the role of this variant in disease. Therefore, it has been classified as a Variant of Uncertain Significance. This sequence change replaces threonine, which is neutral and polar, with isoleucine, which is neutral and non-polar, at codon 971 of the CEP250 protein (p.Thr971Ile). ClinVar contains an entry for this variant (Variation ID: 1474676). Algorithms developed to predict the effect of missense changes on protein structure and function are either unavailable or do not agree on the potential impact of this missense change (SIFT: "Not Available"; PolyPhen-2: "Benign"; Align-GVGD: "Not Available"). This variant is present in population databases (rs569960675, gnomAD 0.007%). This variant has not been reported in the literature in individuals affected with CEP250-related conditions.